The following is an entry in ClinVar:

ClinVar aggregate classification (germline): Benign (1 of 4 stars; one submission).

Allele frequency attached by ClinVar (database versions not stated): gnomAD 0.20768 and 0.21670; TOPMed 0.21798; 1000 Genomes Project 30x 0.27171; 1000 Genomes Project 0.27776.
gnomAD v4.1: 33,029 of 152,042 alleles (22%); highest among the groups gnomAD compares: East Asian, 39%; 3,936 homozygotes.

Submissions (9):

GeneDx
Classification: Benign. Last evaluated: 2018-06-14. Review status: criteria provided, single submitter. Criteria: GeneDx Variant Classification (06012015). Collection method: clinical testing. Allele origin: germline. Affected: yes.
Comment: This variant is considered likely benign or benign based on one or more of the following criteria: it is a conservative change, it occurs at a poorly conserved position in the protein, it is predicted to be benign by multiple in silico algorithms, and/or has population frequency not consistent with disease.

Dr. Peter K. Rogan Lab, Western University
No classification provided (evidence only). Condition: Cholangiocarcinoma. Review status: no classification provided. Collection method: in vitro. Allele origin: not applicable. Functional consequence: retained intron. Not counted in ClinVar's aggregate classification.

Dr. Peter K. Rogan Lab, Western University
No classification provided (evidence only). Condition: Ovarian serous cystadenocarcinoma. Review status: no classification provided. Collection method: in vitro. Allele origin: not applicable. Functional consequence: retained intron. Not counted in ClinVar's aggregate classification.

Dr. Peter K. Rogan Lab, Western University
No classification provided (evidence only). Condition: Ovarian serous cystadenocarcinoma. Review status: no classification provided. Collection method: in vitro. Allele origin: not applicable. Functional consequence: retained intron. Not counted in ClinVar's aggregate classification.

Dr. Peter K. Rogan Lab, Western University
No classification provided (evidence only). Condition: Ovarian serous cystadenocarcinoma. Review status: no classification provided. Collection method: in vitro. Allele origin: not applicable. Functional consequence: retained intron. Not counted in ClinVar's aggregate classification.

Dr. Peter K. Rogan Lab, Western University
No classification provided (evidence only). Condition: Ovarian serous cystadenocarcinoma. Review status: no classification provided. Collection method: in vitro. Allele origin: not applicable. Functional consequence: retained intron. Not counted in ClinVar's aggregate classification.

Dr. Peter K. Rogan Lab, Western University
No classification provided (evidence only). Condition: Ovarian serous cystadenocarcinoma. Review status: no classification provided. Collection method: in vitro. Allele origin: not applicable. Functional consequence: retained intron. Not counted in ClinVar's aggregate classification.

Dr. Peter K. Rogan Lab, Western University
No classification provided (evidence only). Condition: Ovarian serous cystadenocarcinoma. Review status: no classification provided. Collection method: in vitro. Allele origin: not applicable. Functional consequence: retained intron. Not counted in ClinVar's aggregate classification.

Dr. Peter K. Rogan Lab, Western University
No classification provided (evidence only). Condition: Gastric cancer. Review status: no classification provided. Collection method: in vitro. Allele origin: not applicable. Functional consequence: retained intron. Not counted in ClinVar's aggregate classification.

NM_001080449.3(DNA2):c.940-220A>G

Gene: DNA2 (DNA replication helicase/nuclease 2; minus strand). Cytogenetic location: 10q21.3.
Variant type: single nucleotide variant.
Coding change: c.940-220A>G on transcript NM_001080449.3 (MANE Select); 220 bases into the intron before coding-DNA position 940, A replaced by G.
Molecular consequence: intron variant.
Genome position (GRCh38, 1-based): chr10:68,446,633, T>C on the plus strand (A>G on the coding strand, the complement: DNA2 is on the minus strand). VCF-style: chr10-68446633-T-C. GRCh37 (hg19) VCF-style: chr10-70206390-T-C.
Other names: NC_000010.10:g.70206390T>C.
Identifiers: ClinVar variation 683742 (VCV000683742.2), dbSNP rs10998173, ClinGen allele CA13223098.